The following is an entry in ClinVar:

NM_001127453.2(GSDME):c.1457A>T (p.Asn486Ile)

Gene: GSDME (gasdermin E; minus strand). Cytogenetic location: 7p15.3.
Variant type: single nucleotide variant.
Coding change: c.1457A>T on transcript NM_001127453.2 (MANE Select); coding-DNA position 1457, A replaced by T.
Protein change: p.Asn486Ile; replaces asparagine 486 with isoleucine.
Molecular consequence: missense variant.
Genome position (GRCh38, 1-based): chr7:24,699,060, T>A on the plus strand (A>T on the coding strand, the complement: GSDME is on the minus strand). VCF-style: chr7-24699060-T-A. GRCh37 (hg19) VCF-style: chr7-24738679-T-A.
Other names: c.1457A>T, p.Asn486Ile (NM_004403.3); c.965A>T, p.Asn322Ile (NM_001127454.2); short protein forms N322I, N486I.
Identifiers: ClinVar variation 3632292 (VCV003632292.2).
Genomic context (GRCh38, chr7:24,699,060, plus strand): 5'-CACGTACTTCTAGTTCACATATGACATCATGAATGTTCTCTGCCTAAAGCACAGAGTCCA[T>A]TCAGGGTTATACAAAGAAGCAGTGGGAAGACTTTAGAGTCCTTCAGAATGACAGCTTTCA-3'
Protein context (NP_001120925.1, residues 476-496): VFPLLLCITL[Asn486Ile]GLCALGREHS

ClinVar aggregate classification (germline): Uncertain significance (1 of 4 stars; one submission).

Submission:

Labcorp Genetics (formerly Invitae), Labcorp
Classification: Uncertain significance. Last evaluated: 2025-02-06. Review status: criteria provided, single submitter. Criteria: Invitae Variant Classification Sherloc (09022015). Collection method: clinical testing. Allele origin: germline.
Comment: This sequence change replaces asparagine, which is neutral and polar, with isoleucine, which is neutral and non-polar, at codon 486 of the DFNA5 protein (p.Asn486Ile). This variant is not present in population databases (gnomAD no frequency). This variant has not been reported in the literature in individuals affected with DFNA5-related conditions. Invitae Evidence Modeling of protein sequence and biophysical properties (such as structural, functional, and spatial information, amino acid conservation, physicochemical variation, residue mobility, and thermodynamic stability) indicates that this missense variant is not expected to disrupt DFNA5 protein function with a negative predictive value of 80%. In summary, the available evidence is currently insufficient to determine the role of this variant in disease. Therefore, it has been classified as a Variant of Uncertain Significance.